The following is an entry in ClinVar:

NM_000336.3(SCNN1B):c.1057C>T (p.Arg353Cys)

Gene: SCNN1B (sodium channel epithelial 1 subunit beta; plus strand). Cytogenetic location: 16p12.2.
Variant type: single nucleotide variant.
Coding change: c.1057C>T on transcript NM_000336.3 (MANE Select); coding-DNA position 1057, C replaced by T.
Protein change: p.Arg353Cys; replaces arginine 353 with cysteine.
Molecular consequence: missense variant. On other transcripts: intron variant (1).
Genome position (GRCh38, 1-based): chr16:23,371,788, C>T. VCF-style: chr16-23371788-C-T. GRCh37 (hg19) VCF-style: chr16-23383109-C-T.
Other names: c.1044+326C>T (NM_001410900.1); short protein forms R353C.
Identifiers: ClinVar variation 3722133 (VCV003722133.2).

ClinVar aggregate classification (germline): Uncertain significance (1 of 4 stars; one submission).

gnomAD v4.1: 39 of 1,613,814 alleles (0.0024%); highest among the groups gnomAD compares: African/African-American, 0.013%; no homozygotes.

Submission:

Labcorp Genetics (formerly Invitae), Labcorp
Classification: Uncertain significance. Last evaluated: 2024-06-09. Review status: criteria provided, single submitter. Criteria: Invitae Variant Classification Sherloc (09022015). Collection method: clinical testing. Allele origin: germline.
Comment: This sequence change replaces arginine, which is basic and polar, with cysteine, which is neutral and slightly polar, at codon 353 of the SCNN1B protein (p.Arg353Cys). This variant is present in population databases (rs150949875, gnomAD 0.02%). This variant has not been reported in the literature in individuals affected with SCNN1B-related conditions. Advanced modeling of protein sequence and biophysical properties (such as structural, functional, and spatial information, amino acid conservation, physicochemical variation, residue mobility, and thermodynamic stability) performed at Invitae indicates that this missense variant is expected to disrupt SCNN1B protein function with a positive predictive value of 80%. In summary, the available evidence is currently insufficient to determine the role of this variant in disease. Therefore, it has been classified as a Variant of Uncertain Significance.